The following is an entry in ClinVar:

NM_033028.5(BBS4):c.333-3C>T

Gene: BBS4 (Bardet-Biedl syndrome 4; plus strand). Cytogenetic location: 15q24.1.
Variant type: single nucleotide variant.
Coding change: c.333-3C>T on transcript NM_033028.5 (MANE Select); 3 bases into the intron before coding-DNA position 333, C replaced by T.
Molecular consequence: intron variant.
Genome position (GRCh38, 1-based): chr15:72,716,775, C>T. VCF-style: chr15-72716775-C-T. GRCh37 (hg19) VCF-style: chr15-73009116-C-T.
Other names: c.333-3C>T (NM_033028.4, NM_001320665.2); c.-189-3C>T (NM_001252678.2).
Identifiers: ClinVar variation 1464316 (VCV001464316.5), dbSNP rs369781535, ClinGen allele CA7646594.

ClinVar aggregate classification (germline): Conflicting classifications of pathogenicity. Review status: criteria provided, conflicting classifications (1 of 4 stars). 3 submissions from 3 submitters: Uncertain significance (2); Likely benign (1). Last evaluated 2024-11-10.

Conditions:
BBS4-related disorder. Also called: BBS4-related condition.
Bardet-Biedl syndrome (BBS). Identifiers: Orphanet 110, MedGen C0752166, MONDO:0015229.

Allele frequency attached by ClinVar (database versions not stated): gnomAD 0.00002; TOPMed 0.00002; gnomAD exomes 0.00003 and 0.00004; ExAC 0.00005; ESP Exome Variant Server 0.00008.

Submissions (3):

PreventionGenetics, part of Exact Sciences
Classification: Likely benign for BBS4-related condition. Last evaluated: 2024-11-10. Review status: criteria provided, single submitter. Criteria: ACMG Guidelines, 2015. Collection method: clinical testing. Allele origin: germline.
Comment: This variant is classified as likely benign based on ACMG/AMP sequence variant interpretation guidelines (Richards et al. 2015 PMID: 25741868, with internal and published modifications).

Blueprint Genetics
Classification: Uncertain significance. Last evaluated: 2022-06-13. Review status: criteria provided, single submitter. Criteria: ACMG Guidelines, 2015. Collection method: clinical testing. Allele origin: germline.

Labcorp Genetics (formerly Invitae), Labcorp
Classification: Uncertain significance for Bardet-Biedl syndrome. Last evaluated: 2021-07-03. Review status: criteria provided, single submitter. Criteria: Invitae Variant Classification Sherloc (09022015). Collection method: clinical testing. Allele origin: germline.
Comment: This sequence change falls in intron 5 of the BBS4 gene. It does not directly change the encoded amino acid sequence of the BBS4 protein. It affects a nucleotide within the consensus splice site of the intron. This variant is present in population databases (rs369781535, ExAC 0.02%). This variant has not been reported in the literature in individuals affected with BBS4-related conditions. Nucleotide substitutions within the consensus splice site are a relatively common cause of aberrant splicing (PMID: 17576681, 9536098). Algorithms developed to predict the effect of sequence changes on RNA splicing suggest that this variant may disrupt the consensus splice site. In summary, the available evidence is currently insufficient to determine the role of this variant in disease. Therefore, it has been classified as a Variant of Uncertain Significance.

Literature cited by the submitters: PubMed 17576681 (cited by Labcorp Genetics (formerly Invitae), Labcorp); PubMed 9536098 (cited by Labcorp Genetics (formerly Invitae), Labcorp).